The following is an entry in ClinVar:

ClinVar aggregate classification (germline): Uncertain significance (1 of 4 stars; one submission).

gnomAD v4.1: 26 of 1,614,170 alleles (0.0016%); highest among the groups gnomAD compares: South Asian, 0.011%; no homozygotes.

Submission:

Labcorp Genetics (formerly Invitae), Labcorp
Classification: Uncertain significance. Last evaluated: 2026-01-19. Review status: criteria provided, single submitter. Criteria: Invitae Variant Classification Sherloc (09022015). Collection method: clinical testing. Allele origin: germline.
Comment: This sequence change replaces valine, which is neutral and non-polar, with methionine, which is neutral and non-polar, at codon 431 of the TRPV6 protein (p.Val431Met). This variant is present in population databases (rs754167671, gnomAD 0.02%). This variant has not been reported in the literature in individuals affected with TRPV6-related conditions. ClinVar contains an entry for this variant (Variation ID: 3609668). Experimental studies and prediction algorithms are not available or were not evaluated, and the functional significance of this variant is currently unknown. In summary, the available evidence is currently insufficient to determine the role of this variant in disease. Therefore, it has been classified as a Variant of Uncertain Significance.

NM_018646.6(TRPV6):c.1291G>A (p.Val431Met)

Gene: TRPV6 (transient receptor potential cation channel subfamily V member 6; minus strand). Cytogenetic location: 7q34.
Variant type: single nucleotide variant.
Coding change: c.1291G>A on transcript NM_018646.6 (MANE Select); coding-DNA position 1291, G replaced by A.
Protein change: p.Val431Met; replaces valine 431 with methionine.
Molecular consequence: missense variant.
Genome position (GRCh38, 1-based): chr7:142,875,116, C>T on the plus strand (G>A on the coding strand, the complement: TRPV6 is on the minus strand). VCF-style: chr7-142875116-C-T. GRCh37 (hg19) VCF-style: chr7-142572869-C-T.
Other names: short protein forms V431M.
Identifiers: ClinVar variation 3609668 (VCV003609668.2).